The following is an entry in ClinVar:

NM_006045.3(ATP9A):c.389G>A (p.Arg130Gln)

Gene: ATP9A (ATPase phospholipid transporting 9A (putative); minus strand). Cytogenetic location: 20q13.2.
Variant type: single nucleotide variant.
Coding change: c.389G>A on transcript NM_006045.3 (MANE Select); coding-DNA position 389, G replaced by A.
Protein change: p.Arg130Gln; replaces arginine 130 with glutamine.
Molecular consequence: missense variant.
Genome position (GRCh38, 1-based): chr20:51,713,013, C>T on the plus strand (G>A on the coding strand, the complement: ATP9A is on the minus strand). VCF-style: chr20-51713013-C-T. GRCh37 (hg19) VCF-style: chr20-50329552-C-T.
Other names: short protein forms R130Q.
Identifiers: ClinVar variation 4278676 (VCV004278676.1).

ClinVar aggregate classification (germline): Uncertain significance (1 of 4 stars; one submission).

Submission:

GeneDx
Classification: Uncertain significance. Last evaluated: 2025-04-02. Review status: criteria provided, single submitter. Criteria: GeneDx Variant Classification Process June 2021. Collection method: clinical testing. Allele origin: germline. Affected: yes.
Comment: Not observed at significant frequency in large population cohorts (gnomAD); In silico analysis supports that this missense variant has a deleterious effect on protein structure/function; Has not been previously published as pathogenic or benign to our knowledge